The following is an entry in ClinVar:

ClinVar aggregate classification (germline): Benign. Review status: criteria provided, multiple submitters, no conflicts (2 of 4 stars). 2 submissions from 2 submitters: Benign (2). Last evaluated 2026-08-01.

Allele frequency attached by ClinVar (database versions not stated): 1000 Genomes Project 30x 0.00281; 1000 Genomes Project 0.00300; TOPMed 0.00728; ExAC 0.00849; ESP Exome Variant Server 0.00853; gnomAD 0.00876; gnomAD exomes 0.01106.
gnomAD v4.1: 17,363 of 1,613,410 alleles (1.1%); highest among the groups gnomAD compares: Non-Finnish European, 1.3%; 136 homozygotes.

Submissions (2):

CeGaT Center for Human Genetics Tuebingen
Classification: Benign. Last evaluated: 2026-08-01. Review status: criteria provided, single submitter. Criteria: CeGaT Center For Human Genetics Tuebingen Variant Classification Criteria Version 2. Collection method: clinical testing. Allele origin: germline. Affected: yes. Observed: 5 variant alleles.
Comment: MAN2B2: BS1, BS2

Women's Health and Genetics/Laboratory Corporation of America, LabCorp
Classification: Benign. Last evaluated: 2026-01-22. Review status: criteria provided, single submitter. Criteria: LabCorp Variant Classification Summary - May 2015. Collection method: clinical testing. Allele origin: germline.

NM_015274.3(MAN2B2):c.3029G>A (p.Ter1010=)

Genes: MAN2B2 (mannosidase alpha class 2B member 2; plus strand), MRFAP1-AS1 (MRFAP1 antisense RNA 1; minus strand). Cytogenetic location: 4p16.1.
Variant type: single nucleotide variant.
Coding change: c.3029G>A on transcript NM_015274.3 (MANE Select); coding-DNA position 3029, G replaced by A.
Protein change: p.Ter1010=.
Molecular consequence: synonymous variant.
Genome position (GRCh38, 1-based): chr4:6,621,284, G>A. VCF-style: chr4-6621284-G-A. GRCh37 (hg19) VCF-style: chr4-6623011-G-A.
Other names: c.2876G>A, p.Ter959= (NM_001292038.2).
Identifiers: ClinVar variation 2654629 (VCV002654629.25), dbSNP rs140158985, ClinGen allele CA2841589.